The following is an entry in ClinVar:

ClinVar aggregate classification (germline): Uncertain significance (1 of 4 stars; one submission).

Conditions:
Norman-Roberts syndrome (LIS2). Also called: Lissencephaly 2 (Norman-Roberts type). Identifiers: Orphanet 89844, MedGen C0796089, MONDO:0009760, OMIM 257320.
Familial temporal lobe epilepsy 7. Identifiers: Orphanet 101046, MedGen C4225327, MONDO:0014639, OMIM 616436.

Submission:

Labcorp Genetics (formerly Invitae), Labcorp
Classification: Uncertain significance for Familial temporal lobe epilepsy 7; Norman-Roberts syndrome. Last evaluated: 2024-10-15. Review status: criteria provided, single submitter. Criteria: Invitae Variant Classification Sherloc (09022015). Collection method: clinical testing. Allele origin: germline.
Comment: This sequence change replaces valine, which is neutral and non-polar, with methionine, which is neutral and non-polar, at codon 1658 of the RELN protein (p.Val1658Met). This variant is not present in population databases (gnomAD no frequency). This variant has not been reported in the literature in individuals affected with RELN-related conditions. Invitae Evidence Modeling of protein sequence and biophysical properties (such as structural, functional, and spatial information, amino acid conservation, physicochemical variation, residue mobility, and thermodynamic stability) has been performed for this missense variant. However, the output from this modeling did not meet the statistical confidence thresholds required to predict the impact of this variant on RELN protein function. In summary, the available evidence is currently insufficient to determine the role of this variant in disease. Therefore, it has been classified as a Variant of Uncertain Significance.

NM_005045.4(RELN):c.4972G>A (p.Val1658Met)

Gene: RELN (reelin; minus strand). Cytogenetic location: 7q22.1.
Variant type: single nucleotide variant.
Coding change: c.4972G>A on transcript NM_005045.4 (MANE Select); coding-DNA position 4972, G replaced by A.
Protein change: p.Val1658Met; replaces valine 1658 with methionine.
Molecular consequence: missense variant.
Genome position (GRCh38, 1-based): chr7:103,565,516, C>T on the plus strand (G>A on the coding strand, the complement: RELN is on the minus strand). VCF-style: chr7-103565516-C-T. GRCh37 (hg19) VCF-style: chr7-103205963-C-T.
Other names: c.4972G>A, p.Val1658Met (NM_173054.3); short protein forms V1658M.
Identifiers: ClinVar variation 2951928 (VCV002951928.3), dbSNP rs1830731305, ClinGen allele CA368746716.